The following is an entry in ClinVar:

ClinVar aggregate classification (germline): Uncertain significance (1 of 4 stars; one submission).

Conditions:
CEP85L-related disorder. Also called: CEP85L-related condition.

gnomAD v4.1: 6 of 1,613,060 alleles (0.00037%); highest among the groups gnomAD compares: Non-Finnish European, 0.00042%; no homozygotes.

Submission:

PreventionGenetics, part of Exact Sciences
Classification: Uncertain significance for CEP85L-related condition. Last evaluated: 2026-04-14. Review status: criteria provided, single submitter. Criteria: ACMG Guidelines, 2015. Collection method: clinical testing. Allele origin: germline.
Comment: The CEP85L c.1189G>A variant is predicted to result in the amino acid substitution p.Asp397Asn. To our knowledge, this variant has not been reported in the literature. This variant is reported in 0.00088% of alleles in individuals of European (Non-Finnish) descent in gnomAD. At this time, the clinical significance of this variant is uncertain due to the absence of conclusive functional and genetic evidence.

NM_001042475.3(CEP85L):c.1180G>A (p.Asp394Asn)

Gene: CEP85L (centrosomal protein 85L; minus strand). Cytogenetic location: 6q22.31.
Variant type: single nucleotide variant.
Coding change: c.1180G>A on transcript NM_001042475.3 (MANE Select); coding-DNA position 1180, G replaced by A.
Protein change: p.Asp394Asn; replaces aspartic acid 394 with asparagine.
Molecular consequence: missense variant.
Genome position (GRCh38, 1-based): chr6:118,511,375, C>T on the plus strand (G>A on the coding strand, the complement: CEP85L is on the minus strand). VCF-style: chr6-118511375-C-T. GRCh37 (hg19) VCF-style: chr6-118832538-C-T.
Other names: c.1189G>A, p.Asp397Asn (NM_001178035.2); c.1180G>A, p.Asp394Asn (NM_206921.3); short protein forms D397N, D394N.
Identifiers: ClinVar variation 4990538 (VCV004990538.1).